The following is an entry in ClinVar:

ClinVar aggregate classification (germline): Conflicting classifications of pathogenicity. Review status: criteria provided, conflicting classifications (1 of 4 stars). 2 submissions from 2 submitters: Uncertain significance (1); Likely benign (1). Last evaluated 2026-02-03.

Conditions:
Singleton-Merten syndrome 1 (SGMRT1). Also called: Widened medullary cavities of bone, aortic calcification, abnormal dentition, and muscular weakness; Syndrome of widened medullary cavities of the metacarpals and phalanges, aortic calcification and abnormal dentition. Identifiers: Orphanet 85191, MedGen C4225427, MONDO:0024535, OMIM 182250.
Aicardi-Goutieres syndrome 7 (AGS7). Identifiers: Orphanet 51, MedGen C3888244, MONDO:0014367, OMIM 615846.

Allele frequency attached by ClinVar (database versions not stated): gnomAD exomes 0.00002; TOPMed 0.00002; ExAC 0.00003.
gnomAD v4.1: 45 of 1,611,596 alleles (0.0028%); highest among the groups gnomAD compares: Middle Eastern, 0.099%; no homozygotes.

Submissions (2):

Labcorp Genetics (formerly Invitae), Labcorp
Classification: Likely benign for Aicardi-Goutieres syndrome 7; Singleton-Merten syndrome 1. Last evaluated: 2026-02-03. Review status: criteria provided, single submitter. Criteria: Invitae Variant Classification Sherloc (09022015). Collection method: clinical testing. Allele origin: germline.

GeneDx
Classification: Uncertain significance. Last evaluated: 2023-05-15. Review status: criteria provided, single submitter. Criteria: GeneDx Variant Classification Process June 2021. Collection method: clinical testing. Allele origin: germline. Affected: yes.
Comment: Not observed at significant frequency in large population cohorts (gnomAD); Has not been previously published as pathogenic or benign to our knowledge; Nonsense variant predicted to result in protein truncation or nonsense mediated decay in a gene or region of a gene for which loss of function is not a well-established mechanism of disease

NM_022168.4(IFIH1):c.1152G>A (p.Trp384Ter)

Gene: IFIH1 (interferon induced with helicase C domain 1; minus strand). Cytogenetic location: 2q24.2.
Variant type: single nucleotide variant.
Coding change: c.1152G>A on transcript NM_022168.4 (MANE Select); coding-DNA position 1152, G replaced by A.
Protein change: p.Trp384Ter; replaces tryptophan 384 with a stop codon.
Molecular consequence: nonsense.
Genome position (GRCh38, 1-based): chr2:162,282,520, C>T on the plus strand (G>A on the coding strand, the complement: IFIH1 is on the minus strand). VCF-style: chr2-162282520-C-T. GRCh37 (hg19) VCF-style: chr2-163139030-C-T.
Other names: c.1152G>A (NM_022168.3); short protein forms W384*.
Identifiers: ClinVar variation 1009368 (VCV001009368.9), dbSNP rs199917968, ClinGen allele CA1934600.